The following is an entry in ClinVar:

NM_022455.5(NSD1):c.6836C>T (p.Pro2279Leu)

Gene: NSD1 (nuclear receptor binding SET domain protein 1; plus strand). Cytogenetic location: 5q35.3.
Variant type: single nucleotide variant.
Coding change: c.6836C>T on transcript NM_022455.5 (MANE Select); coding-DNA position 6836, C replaced by T.
Protein change: p.Pro2279Leu; replaces proline 2279 with leucine.
Molecular consequence: missense variant.
Genome position (GRCh38, 1-based): chr5:177,294,204, C>T. VCF-style: chr5-177294204-C-T. GRCh37 (hg19) VCF-style: chr5-176721205-C-T.
Other names: c.5963C>T, p.Pro1988Leu (NM_001365684.2, NM_001409308.1, NM_172349.5); c.6836C>T, p.Pro2279Leu (NM_001409301.1, NM_001409302.1, NM_001409303.1); c.6416C>T, p.Pro2139Leu (NM_001409304.1); c.6083C>T, p.Pro2028Leu (NM_001409305.1); c.6074C>T, p.Pro2025Leu (NM_001409306.1, NM_001409307.1); c.5714C>T, p.Pro1905Leu (NM_001409309.1); short protein forms P1905L, P1988L, P2010L, P2025L, P2028L, P2139L, P2279L.
Identifiers: ClinVar variation 2421172 (VCV002421172.7), dbSNP rs1374514338, ClinGen allele CA362326320.

ClinVar aggregate classification (germline): Uncertain significance (1 of 4 stars; one submission).

Allele frequency attached by ClinVar (database versions not stated): TOPMed below 0.00001.

Submission:

Labcorp Genetics (formerly Invitae), Labcorp
Classification: Uncertain significance. Last evaluated: 2022-08-09. Review status: criteria provided, single submitter. Criteria: Invitae Variant Classification Sherloc (09022015). Collection method: clinical testing. Allele origin: germline.
Comment: This variant has not been reported in the literature in individuals affected with NSD1-related conditions. This variant is not present in population databases (gnomAD no frequency). This sequence change replaces proline, which is neutral and non-polar, with leucine, which is neutral and non-polar, at codon 2279 of the NSD1 protein (p.Pro2279Leu). In summary, the available evidence is currently insufficient to determine the role of this variant in disease. Therefore, it has been classified as a Variant of Uncertain Significance. Advanced modeling of protein sequence and biophysical properties (such as structural, functional, and spatial information, amino acid conservation, physicochemical variation, residue mobility, and thermodynamic stability) performed at Invitae indicates that this missense variant is not expected to disrupt NSD1 protein function.